The following is an entry in ClinVar:

NM_024876.4(COQ8B):c.1329G>T (p.Met443Ile)

Gene: COQ8B (coenzyme Q8B; minus strand). Cytogenetic location: 19q13.2.
Variant type: single nucleotide variant.
Coding change: c.1329G>T on transcript NM_024876.4 (MANE Select); coding-DNA position 1329, G replaced by T.
Protein change: p.Met443Ile; replaces methionine 443 with isoleucine.
Molecular consequence: missense variant.
Genome position (GRCh38, 1-based): chr19:40,692,341, C>A on the plus strand (G>T on the coding strand, the complement: COQ8B is on the minus strand). VCF-style: chr19-40692341-C-A. GRCh37 (hg19) VCF-style: chr19-41198246-C-A.
Other names: c.1206G>T, p.Met402Ile (NM_001142555.3); short protein forms M402I, M443I.
Identifiers: ClinVar variation 4087810 (VCV004087810.1).
Genomic context (GRCh38, chr19:40,692,341, plus strand): 5'-GGCCGTTTCCCCCGACCCAAAGTCATAAGGGCCCTGGGTGGCGAAAGGCTCCCCCAGGAT[C>A]ATCACTGCCTCCACGTGGGCGTCGGAGAATGCCTGGGAGTGGGGGTGGGGGGAGAGCAAA-3'
Protein context (NP_079152.3, residues 433-453): AFSDAHVEAV[Met443Ile]ILGEPFATQG

ClinVar aggregate classification (germline): Uncertain significance (1 of 4 stars; one submission).

Submission:

GeneDx
Classification: Uncertain significance. Last evaluated: 2025-03-23. Review status: criteria provided, single submitter. Criteria: GeneDx Variant Classification Process June 2021. Collection method: clinical testing. Allele origin: germline. Affected: yes.
Comment: Not observed at significant frequency in large population cohorts (gnomAD); In silico analysis supports that this missense variant has a deleterious effect on protein structure/function; Has not been previously published as pathogenic or benign to our knowledge